The following is an entry in ClinVar:

ClinVar aggregate classification (germline): Pathogenic (1 of 4 stars; one submission).

Submission:

Labcorp Genetics (formerly Invitae), Labcorp
Classification: Pathogenic. Last evaluated: 2023-08-30. Review status: criteria provided, single submitter. Criteria: Invitae Variant Classification Sherloc (09022015). Collection method: clinical testing. Allele origin: unknown.
Comment: This variant is a gross deletion of the genomic region encompassing exon(s) 14-19 of the MTTP gene, which includes the termination codon. This deletion extends beyond the assayed region for this gene and therefore may encompass additional genes. While this deletion is not anticipated to lead to nonsense mediated decay, it is expected to alter mRNA translation or result in a truncated protein product. This variant has not been reported in the literature in individuals affected with MTTP-related conditions. This variant disrupts a region of the MTTP protein in which other variant(s) (p.Gly865*) have been determined to be pathogenic (PMID: 7782284, 8533758, 10679949, 17275380, 20592474, 27271787). This suggests that this is a clinically significant region of the protein, and that variants that disrupt it are likely to be disease-causing. For these reasons, this variant has been classified as Pathogenic.

Literature cited by the submitters: PubMed 7782284; PubMed 8533758; PubMed 10679949; PubMed 17275380; PubMed 20592474; PubMed 27271787.

NC_000004.11:g.(?_100532280)_(100544005_?)del

Gene: MTTP (microsomal triglyceride transfer protein; plus strand). Cytogenetic location: 4q23.
Variant type: Deletion.
Identifiers: ClinVar variation 3246705 (VCV003246705.1).